The following is an entry in ClinVar:

ClinVar aggregate classification (germline): Uncertain significance. Review status: criteria provided, multiple submitters, no conflicts (2 of 4 stars). 2 submissions from 2 submitters: Uncertain significance (2). Last evaluated 2025-07-02.

Conditions:
Intellectual developmental disorder, X-linked, syndromic 37. Identifiers: MedGen C5935567, MONDO:0958322, OMIM 301118.

Submissions (2):

Dasa
Classification: Uncertain significance for Intellectual developmental disorder, X-linked, syndromic 37. Last evaluated: 2025-07-02. Review status: criteria provided, single submitter. Criteria: DASA Assertion Criteria. Collection method: clinical testing. Allele origin: germline.
Comment: NM_003410.4(ZFX):c.1240A>G (p.Ile414Val) is a missense variant that results in the substitution of isoleucine with valine. This variant is rare in population databases. Computational prediction algorithms are consistent with a benign effect. The currently available literature and clinical evidence are not sufficient to establish a definitive association between this variant and the reported condition. Therefore, this variant is classified as a variant of uncertain significance.

GeneDx
Classification: Uncertain significance. Last evaluated: 2025-06-23. Review status: criteria provided, single submitter. Criteria: GeneDx Variant Classification Process June 2021. Collection method: clinical testing. Allele origin: germline. Affected: yes.
Comment: Not observed at significant frequency in large population cohorts (gnomAD); In silico analysis suggests that this missense variant does not alter protein structure/function; Has not been previously published as pathogenic or benign to our knowledge

NM_003410.4(ZFX):c.1240A>G (p.Ile414Val)

Gene: ZFX (zinc finger protein X-linked; plus strand). Cytogenetic location: Xp22.11.
Variant type: single nucleotide variant.
Coding change: c.1240A>G on transcript NM_003410.4 (MANE Select); coding-DNA position 1240, A replaced by G.
Protein change: p.Ile414Val; replaces isoleucine 414 with valine.
Molecular consequence: missense variant. On other transcripts: synonymous variant (1).
Genome position (GRCh38, 1-based): chrX:24,210,198, A>G. VCF-style: chrX-24210198-A-G. GRCh37 (hg19) VCF-style: chrX-24228315-A-G.
Other names: c.1240A>G, p.Ile414Val (NM_001178084.2, NM_001178085.1); c.553A>G, p.Ile185Val (NM_001178086.2); c.1299A>G, p.Ter433= (NM_001178095.2); c.1357A>G, p.Ile453Val (NM_001330327.2); short protein forms I185V, I414V, I453V.
Identifiers: ClinVar variation 4540195 (VCV004540195.3).